The following is an entry in ClinVar:

ClinVar aggregate classification (germline): Likely pathogenic (1 of 4 stars; one submission).

Conditions:
Ellis-van Creveld syndrome (EVC). Also called: EVC-Related Ellis-van Creveld Syndrome; EVC2-Related Ellis-van Creveld Syndrome; MESOECTODERMAL DYSPLASIA; Chondroectodermal dysplasia. Identifiers: Orphanet 289, MedGen C0013903, MONDO:0009162, OMIM 225500.

Submission:

Myriad Genetics, Inc.
Classification: Likely pathogenic for Ellis-van Creveld syndrome. Last evaluated: 2021-12-18. Review status: criteria provided, single submitter. Criteria: Myriad Women's Health Autosomal Recessive and X-Linked Classification Criteria (2021). Collection method: clinical testing. Allele origin: unknown.
Comment: NM_153717.2(EVC):c.37_40delCGGC(R13Cfs*102) is expected to be pathogenic in the context of EVC-related Ellis-van Creveld syndrome. This variant is predicted to lead to an abnormal or absent protein product due to the creation of a premature termination codon in EVC, a gene where loss-of-function variants are known to be pathogenic. Please note: this variant was assessed in the context of healthy population screening.

NM_153717.3(EVC):c.37_40del (p.Arg13fs)

Gene: EVC (EvC ciliary complex subunit 1; plus strand). Cytogenetic location: 4p16.2.
Variant type: Deletion.
Coding change: c.37_40del on transcript NM_153717.3 (MANE Select); coding-DNA positions 37 to 40, 4 bases deleted (CGGC; older notation c.37_40delCGGC).
Protein change: p.Arg13fs; shifts the reading frame from arginine 13.
Molecular consequence: frameshift variant.
Genome position (GRCh38, 1-based): chr4:5,711,417-5,711,420, CGGC deleted. VCF-style (leftmost placement, unchanged base first): chr4-5711416-GCGGC-G. GRCh37 (hg19) VCF-style: chr4-5713143-GCGGC-G.
Other names: c.37_40del, p.Arg13fs (NM_001306090.2, NM_001306092.2); short protein forms R13fs.
Identifiers: ClinVar variation 1726538 (VCV001726538.2), dbSNP rs2474192685, ClinGen allele CA2580070796.